The following is an entry in ClinVar:

ClinVar aggregate classification (germline): Conflicting classifications of pathogenicity. Review status: criteria provided, conflicting classifications (1 of 4 stars). 5 submissions from 5 submitters: Uncertain significance (3); Likely benign (1). 1 of the submissions does not count toward it. Last evaluated 2025-12-06.

Conditions:
Cardiovascular phenotype. Identifiers: MedGen CN230736.
Long QT syndrome (LQTS). Identifiers: MedGen C0023976, MeSH D008133, MONDO:0002442. Disease mechanism: loss of function. Inheritance: Various modes of inheritance.
Long QT syndrome 11 (LQT11). Identifiers: Orphanet 101016, Orphanet 768, MedGen C2678483, MONDO:0012738, OMIM 611820.

Allele frequency attached by ClinVar (database versions not stated): ExAC 0.00001; gnomAD exomes 0.00001 and 0.00002.

Submissions (5):

Labcorp Genetics (formerly Invitae), Labcorp
Classification: Uncertain significance for Long QT syndrome. Last evaluated: 2025-12-06. Review status: criteria provided, single submitter. Criteria: Invitae Variant Classification Sherloc (09022015). Collection method: clinical testing. Allele origin: germline.
Comment: This sequence change replaces serine, which is neutral and polar, with leucine, which is neutral and non-polar, at codon 1570 of the AKAP9 protein (p.Ser1570Leu). This variant is present in population databases (rs121908566, gnomAD 0.002%). This missense change has been observed in individuals with long QT syndrome (PMID: 18093912). ClinVar contains an entry for this variant (Variation ID: 5883). An algorithm developed to predict the effect of missense changes on protein structure and function outputs the following: PolyPhen-2: "Benign". The leucine amino acid residue is found in multiple mammalian species, which suggests that this missense change does not adversely affect protein function. Experimental studies have shown that this missense change affects AKAP9 function (PMID: 18093912). In summary, the available evidence is currently insufficient to determine the role of this variant in disease. Therefore, it has been classified as a Variant of Uncertain Significance.

Ambry Genetics
Classification: Likely benign for Cardiovascular phenotype. Last evaluated: 2022-07-13. Review status: criteria provided, single submitter. Criteria: Ambry Variant Classification Scheme 2023. Collection method: clinical testing. Allele origin: germline.

Fulgent Genetics
Classification: Uncertain significance for Long QT syndrome 11. Last evaluated: 2021-10-29. Review status: criteria provided, single submitter. Criteria: ACMG Guidelines, 2015. Collection method: clinical testing. Allele origin: unknown.

ARUP Laboratories, Molecular Genetics and Genomics, ARUP Laboratories
Classification: Uncertain significance. Last evaluated: 2017-08-07. Review status: criteria provided, single submitter. Criteria: ARUP Molecular Germline Variant Investigation Process. Collection method: clinical testing. Allele origin: germline.
Comment: The p.Ser1570Leu variant has been previously reported in association with long QT syndrome in a single family (Chen 2007). Functional studies performed by Chen et al. suggest the p.Ser1570Leu variant alters the binding between AKAP9 and KCNQ1 which results in a decrease in cyclic AMP associated current in an in vitro model system. This may prolong the action potential of cardiomyocytes but the p.Ser1570Leu variant has not been tested in cardiomyocytes. The serine at position 1570 is weakly conserved and most other non-primate mammalian species have leucine at this position suggesting this change may be evolutionally tolerated. This variant is listed in the genome Aggregation Database (gnomAD) on 2 chromosomes (identified on 2 out of 239,262 chromosomes). Altogether, there is not enough evidence to classify the p.Ser1570Leu variant with certainty.

OMIM
Classification: Pathogenic for LONG QT SYNDROME 11 (1 family). Last evaluated: 2007-12-26. Review status: no assertion criteria provided. Collection method: literature only. Allele origin: germline. Not counted in ClinVar's aggregate classification.

Literature cited by the submitters: PubMed 18093912 (cited by 3 submitters); PubMed 22378279 (cited by Ambry Genetics).

NM_005751.5(AKAP9):c.4709C>T (p.Ser1570Leu)

Gene: AKAP9 (A-kinase anchoring protein 9; plus strand). Cytogenetic location: 7q21.2.
Variant type: single nucleotide variant.
Coding change: c.4709C>T on transcript NM_005751.5 (MANE Select); coding-DNA position 4709, C replaced by T.
Protein change: p.Ser1570Leu; replaces serine 1570 with leucine.
Molecular consequence: missense variant.
Genome position (GRCh38, 1-based): chr7:92,040,690, C>T. VCF-style: chr7-92040690-C-T. GRCh37 (hg19) VCF-style: chr7-91670004-C-T.
Other names: c.4709C>T, p.Ser1570Leu (NM_147185.3); short protein forms S1570L.
Identifiers: ClinVar variation 5883 (VCV000005883.19), dbSNP rs121908566, ClinGen allele CA253635.